The following is an entry in ClinVar:

NM_153240.5(NPHP3):c.1985+5G>A

Genes: NPHP3 (nephrocystin 3; minus strand), NPHP3-ACAD11 (NPHP3-ACAD11 readthrough (NMD candidate); minus strand). Cytogenetic location: 3q22.1.
Variant type: single nucleotide variant.
Coding change: c.1985+5G>A on transcript NM_153240.5 (MANE Select); 5 bases into the intron after coding-DNA position 1985, G replaced by A.
Molecular consequence: intron variant.
Genome position (GRCh38, 1-based): chr3:132,699,348, C>T on the plus strand (G>A on the coding strand, the complement: NPHP3 is on the minus strand). VCF-style: chr3-132699348-C-T. GRCh37 (hg19) VCF-style: chr3-132418192-C-T.
Other names: IVS13DS, G-A, +5.
Identifiers: ClinVar variation 2639 (VCV000002639.15), dbSNP rs754508002, ClinGen allele CA2622162.

ClinVar aggregate classification (germline): Conflicting classifications of pathogenicity. Review status: criteria provided, conflicting classifications (1 of 4 stars). 7 submissions from 7 submitters: Likely pathogenic (4); Uncertain significance (2). 1 of the submissions does not count toward it. Last evaluated 2024-05-15.

Conditions:
NPHP3-related disorder. Also called: NPHP3-related disorders; NPHP3-related condition. Identifiers: MedGen CN379163.
Nephronophthisis 3 (NPHP3). Also called: Adolescent nephronophthisis. Identifiers: Orphanet 655, MedGen C1858392, MONDO:0011456, OMIM 604387.
Renal-hepatic-pancreatic dysplasia 1 (RHPD1). Identifiers: MedGen C3715199, MONDO:0008833, OMIM 208540.
NPHP3-related Meckel-like syndrome. Also called: GOLDSTON SYNDROME; Meckel syndrome type 7. Identifiers: Orphanet 3032, MedGen C2673885, MONDO:0009966, OMIM 267010.
Nephronophthisis. Also called: Juvenile Nephronophthisis. Identifiers: Orphanet 655, MedGen C0687120, MONDO:0019005, HP:0000090.

gnomAD v4.1: 14 of 1,592,792 alleles (0.00088%); highest among the groups gnomAD compares: South Asian, 0.0044%; no homozygotes.

Submissions (7):

Fulgent Genetics
Classification: Likely pathogenic for Renal-hepatic-pancreatic dysplasia 1; NPHP3-related Meckel-like syndrome; Nephronophthisis 3. Last evaluated: 2024-05-15. Review status: criteria provided, single submitter. Criteria: ACMG Guidelines, 2015. Collection method: clinical testing. Allele origin: germline.

Revvity Omics, Revvity
Classification: Uncertain significance. Last evaluated: 2023-11-17. Review status: criteria provided, single submitter. Criteria: ACMG Guidelines, 2015. Collection method: clinical testing. Allele origin: germline.

Blueprint Genetics
Classification: Likely pathogenic for NPHP3-related disorders. Last evaluated: 2023-01-09. Review status: criteria provided, single submitter. Criteria: ACMG Guidelines, 2015. Collection method: clinical testing. Allele origin: germline. Affected: yes. Observed: 1 variant allele.

GeneDx
Classification: Likely pathogenic. Last evaluated: 2022-10-14. Review status: criteria provided, single submitter. Criteria: GeneDx Variant Classification Process June 2021. Collection method: clinical testing. Allele origin: germline. Affected: yes.
Comment: Intronic +5 splice site variant in a gene for which loss of function is a known mechanism of disease, and published functional studies demonstrate skipping of exon 13 and an out-of-frame transcript that results in protein truncation (Bergmann et al., 2008); Not observed at significant frequency in large population cohorts (gnomAD); This variant is associated with the following publications: (PMID: 18371931, 21845392)

Labcorp Genetics (formerly Invitae), Labcorp
Classification: Uncertain significance for Nephronophthisis. Last evaluated: 2022-08-23. Review status: criteria provided, single submitter. Criteria: Invitae Variant Classification Sherloc (09022015). Collection method: clinical testing. Allele origin: germline.
Comment: ClinVar contains an entry for this variant (Variation ID: 2639). This variant has been observed in individual(s) with clinical features of NPHP3-related conditions (PMID: 18371931). This variant is present in population databases (rs754508002, gnomAD 0.003%). Variants that disrupt the consensus splice site are a relatively common cause of aberrant splicing (PMID: 17576681, 9536098). Studies have shown that this variant results in skipping of exon 13 and introduces a premature termination codon (PMID: 18371931). The resulting mRNA is expected to undergo nonsense-mediated decay. This sequence change falls in intron 13 of the NPHP3 gene. It does not directly change the encoded amino acid sequence of the NPHP3 protein. RNA analysis indicates that this variant induces altered splicing and may result in an absent or disrupted protein product. In summary, the available evidence is currently insufficient to determine the role of this variant in disease. Therefore, it has been classified as a Variant of Uncertain Significance.

Juno Genomics, Hangzhou Juno Genomics, Inc
Classification: Likely pathogenic for Renal-hepatic-pancreatic dysplasia 1. Review status: criteria provided, single submitter. Criteria: ACMG Guidelines, 2015. Collection method: clinical testing. Allele origin: germline.
Comment: Absent from controls (or at extremely low frequency if recessive) in Genome Aggregation Database.;For recessive disorders, detected in trans with a pathogenic variant.;Well-established in vitro or in vivo functional studies supportive of a damaging effect on the gene or gene product.

OMIM
Classification: Pathogenic for RENAL-HEPATIC-PANCREATIC DYSPLASIA 1. Last evaluated: 2008-04-01. Review status: no assertion criteria provided. Collection method: literature only. Allele origin: germline. Not counted in ClinVar's aggregate classification.

Literature cited by the submitters: PubMed 18371931 (cited by Labcorp Genetics (formerly Invitae), Labcorp and OMIM); PubMed 17576681 (cited by Labcorp Genetics (formerly Invitae), Labcorp); PubMed 9536098 (cited by Labcorp Genetics (formerly Invitae), Labcorp).